The following is an entry in ClinVar:

NM_017671.5(FERMT1):c.*2118A>G

Gene: FERMT1 (FERM domain containing kindlin 1; minus strand). Cytogenetic location: 20p12.3.
Variant type: single nucleotide variant.
Coding change: c.*2118A>G on transcript NM_017671.5 (MANE Select); 2118 bases downstream of the stop codon, A replaced by G.
Molecular consequence: 3 prime UTR variant.
Genome position (GRCh38, 1-based): chr20:6,075,055, T>C on the plus strand (A>G on the coding strand, the complement: FERMT1 is on the minus strand). VCF-style: chr20-6075055-T-C. GRCh37 (hg19) VCF-style: chr20-6055702-T-C.
Identifiers: ClinVar variation 339171 (VCV000339171.5), dbSNP rs529395851, ClinGen allele CA10653328.

ClinVar aggregate classification (germline): Likely benign (1 of 4 stars; one submission).

Conditions:
Kindler syndrome (KNDLRS). Also called: BULLOUS ACROKERATOTIC POIKILODERMA OF KINDLER AND WEARY; POIKILODERMA, CONGENITAL, WITH BULLAE, WEARY TYPE; POIKILODERMA, HEREDITARY ACROKERATOTIC; Hereditary acrokeratotic poikiloderma of Weary; Poikiloderma of Kindler; Congenital bullous poikiloderma. Identifiers: Orphanet 2908, Orphanet 306539, MedGen C0406557, MONDO:0008260, OMIM 173650.

Allele frequency attached by ClinVar (database versions not stated): 1000 Genomes Project 0.00160.

Submission:

Illumina Laboratory Services, Illumina
Classification: Likely benign for Kindler syndrome. Last evaluated: 2018-01-13. Review status: criteria provided, single submitter. Criteria: ICSL Variant Classification Criteria 13 December 2019. Collection method: clinical testing. Allele origin: germline.
Comment: This variant was observed in the ICSL laboratory as part of a predisposition screen in an ostensibly healthy population. It had not been previously curated by ICSL or reported in the Human Gene Mutation Database (HGMD: prior to June 1st, 2018), and was therefore a candidate for classification through an automated scoring system. Utilizing variant allele frequency, disease prevalence and penetrance estimates, and inheritance mode, an automated score was calculated to assess if this variant is too frequent to cause the disease. Based on the score and internal cut-off values, a variant classified as likely benign is not then subjected to further curation. The score for this variant resulted in a classification of likely benign for this disease.